The following is an entry in ClinVar:

NM_001365276.2(TNXB):c.7727C>T (p.Thr2576Ile)

Gene: TNXB (tenascin XB; minus strand). Cytogenetic location: 6p21.33.
Variant type: single nucleotide variant.
Coding change: c.7727C>T on transcript NM_001365276.2 (MANE Select); coding-DNA position 7727, C replaced by T.
Protein change: p.Thr2576Ile; replaces threonine 2576 with isoleucine.
Molecular consequence: missense variant.
Genome position (GRCh38, 1-based): chr6:32,058,156, G>A on the plus strand (C>T on the coding strand, the complement: TNXB is on the minus strand). VCF-style: chr6-32058156-G-A. GRCh37 (hg19) VCF-style: chr6-32025933-G-A.
Other names: c.8468C>T, p.Thr2823Ile (NM_001428335.1); c.7727C>T, p.Thr2576Ile (NM_019105.8); short protein forms T2823I, T2576I.
Identifiers: ClinVar variation 5031053 (VCV005031053.1).

ClinVar aggregate classification (germline): Uncertain significance (1 of 4 stars; one submission).

Conditions:
Cardiovascular phenotype. Identifiers: MedGen CN230736.

gnomAD v4.1: 1 of 1,612,692 alleles (0.000062%); highest among the groups gnomAD compares: Non-Finnish European, 0.000085%; no homozygotes.

Submission:

Ambry Genetics
Classification: Uncertain significance for Cardiovascular phenotype. Last evaluated: 2026-09-12. Review status: criteria provided, single submitter. Criteria: Ambry Variant Classification Scheme 2023. Collection method: clinical testing. Allele origin: germline.
Comment: The p.T2576I variant (also known as c.7727C>T), located in coding exon 21 of the TNXB gene, results from a C to T substitution at nucleotide position 7727. The threonine at codon 2576 is replaced by isoleucine, an amino acid with similar properties. This amino acid position is conserved. In addition, this alteration is predicted to be tolerated by in silico analysis. Based on the available evidence, the clinical significance of this variant remains unclear.